The following is an entry in ClinVar:

ClinVar aggregate classification (germline): Uncertain significance (1 of 4 stars; one submission).

Conditions:
Cardiovascular phenotype. Identifiers: MedGen CN230736.

Submission:

Ambry Genetics
Classification: Uncertain significance for Cardiovascular phenotype. Last evaluated: 2021-06-03. Review status: criteria provided, single submitter. Criteria: Ambry Variant Classification Scheme 2023. Collection method: clinical testing. Allele origin: germline.
Comment: The p.G975R variant (also known as c.2923G>A), located in coding exon 26 of the RYR2 gene, results from a G to A substitution at nucleotide position 2923. The glycine at codon 975 is replaced by arginine, an amino acid with dissimilar properties. This amino acid position is well conserved in available vertebrate species. In addition, this alteration is predicted to be deleterious by in silico analysis. Since supporting evidence is limited at this time, the clinical significance of this alteration remains unclear.

NM_001035.3(RYR2):c.2923G>A (p.Gly975Arg)

Gene: RYR2 (ryanodine receptor 2; plus strand). Cytogenetic location: 1q43.
Variant type: single nucleotide variant.
Coding change: c.2923G>A on transcript NM_001035.3 (MANE Select); coding-DNA position 2923, G replaced by A.
Protein change: p.Gly975Arg; replaces glycine 975 with arginine.
Molecular consequence: missense variant.
Genome position (GRCh38, 1-based): chr1:237,548,447, G>A. VCF-style: chr1-237548447-G-A. GRCh37 (hg19) VCF-style: chr1-237711747-G-A.
Other names: short protein forms G975R.
Identifiers: ClinVar variation 1797737 (VCV001797737.2), dbSNP rs2546276076, ClinGen allele CA345393451.